The following is an entry in ClinVar:

NM_000441.2(SLC26A4):c.941C>T (p.Ser314Leu)

Gene: SLC26A4 (solute carrier family 26 member 4; plus strand). Cytogenetic location: 7q22.3.
Variant type: single nucleotide variant.
Coding change: c.941C>T on transcript NM_000441.2 (MANE Select); coding-DNA position 941, C replaced by T.
Protein change: p.Ser314Leu; replaces serine 314 with leucine.
Molecular consequence: missense variant.
Genome position (GRCh38, 1-based): chr7:107,683,477, C>T. VCF-style: chr7-107683477-C-T. GRCh37 (hg19) VCF-style: chr7-107323922-C-T.
Other names: short protein forms S314L.
Identifiers: ClinVar variation 3720765 (VCV003720765.2).

ClinVar aggregate classification (germline): Likely pathogenic (1 of 4 stars; one submission).

Submission:

Labcorp Genetics (formerly Invitae), Labcorp
Classification: Likely pathogenic. Last evaluated: 2025-05-23. Review status: criteria provided, single submitter. Criteria: Invitae Variant Classification Sherloc (09022015). Collection method: clinical testing. Allele origin: germline.
Comment: This sequence change replaces serine, which is neutral and polar, with leucine, which is neutral and non-polar, at codon 314 of the SLC26A4 protein (p.Ser314Leu). This variant is not present in population databases (gnomAD no frequency). This missense change has been observed in individual(s) with non-syndromic deafness and/or non-syndromic hearing loss (PMID: 23185506; internal data). In at least one individual the data is consistent with being in trans (on the opposite chromosome) from a pathogenic variant. ClinVar contains an entry for this variant (Variation ID: 3720765). Invitae Evidence Modeling of protein sequence and biophysical properties (such as structural, functional, and spatial information, amino acid conservation, physicochemical variation, residue mobility, and thermodynamic stability) indicates that this missense variant is expected to disrupt SLC26A4 protein function with a positive predictive value of 95%. Experimental studies have shown that this missense change affects SLC26A4 function (PMID: 23185506). In summary, the currently available evidence indicates that the variant is pathogenic, but additional data are needed to prove that conclusively. Therefore, this variant has been classified as Likely Pathogenic.

Literature cited by the submitters: PubMed 23185506.